The following is an entry in ClinVar:

NM_005334.3(HCFC1):c.1621C>T (p.Pro541Ser)

Gene: HCFC1 (host cell factor C1; minus strand). Cytogenetic location: Xq28.
Variant type: single nucleotide variant.
Coding change: c.1621C>T on transcript NM_005334.3 (MANE Select); coding-DNA position 1621, C replaced by T.
Protein change: p.Pro541Ser; replaces proline 541 with serine.
Molecular consequence: missense variant. On other transcripts: intron variant (2).
Genome position (GRCh38, 1-based): chrX:153,958,751, G>A on the plus strand (C>T on the coding strand, the complement: HCFC1 is on the minus strand). VCF-style: chrX-153958751-G-A. GRCh37 (hg19) VCF-style: chrX-153224202-G-A.
Other names: c.1621C>T, p.Pro541Ser (NM_001410705.1, NM_001440843.1, NM_001440844.1 and 5 more transcripts); c.1606-502C>T (NM_001440851.1, NM_001440850.1); short protein forms P541S.
Identifiers: ClinVar variation 4689578 (VCV004689578.1).

ClinVar aggregate classification (germline): Uncertain significance (1 of 4 stars; one submission).

Submission:

Women's Health and Genetics/Laboratory Corporation of America, LabCorp
Classification: Uncertain significance. Last evaluated: 2026-01-06. Review status: criteria provided, single submitter. Criteria: LabCorp Variant Classification Summary - May 2015. Collection method: clinical testing. Allele origin: germline.
Comment: Variant summary: HCFC1 c.1621C>T (p.Pro541Ser) results in a non-conservative amino acid change in the encoded protein sequence. Algorithms developed to predict the effect of missense changes on protein structure and function are either unavailable or do not agree on the potential impact of this missense change. The variant was absent in 138571 control chromosomes. The available data on variant occurrences in the general population are insufficient to allow any conclusion about variant significance. To our knowledge, no occurrence of c.1621C>T in individuals affected with HCFC1-related conditions and no experimental evidence demonstrating its impact on protein function have been reported. No submitters have cited clinical-significance assessments for this variant to ClinVar. Based on the evidence outlined above, the variant was classified as uncertain significance.